The following is an entry in ClinVar:

NM_001015877.2(PHF6):c.459C>A (p.Pro153=)

Gene: PHF6 (PHD finger protein 6; plus strand). Cytogenetic location: Xq26.2.
Variant type: single nucleotide variant.
Coding change: c.459C>A on transcript NM_001015877.2 (MANE Select); coding-DNA position 459, C replaced by A.
Protein change: p.Pro153=; no amino-acid change (proline 153 retained).
Molecular consequence: synonymous variant.
Genome position (GRCh38, 1-based): chrX:134,413,531, C>A. VCF-style: chrX-134413531-C-A. GRCh37 (hg19) VCF-style: chrX-133547561-C-A.
Other names: c.462C>A, p.Pro154= (NM_032335.3); c.459C>A, p.Pro153= (NM_032458.3).
Identifiers: ClinVar variation 3355564 (VCV003355564.1).
Genomic context (GRCh38, chrX:134,413,531, plus strand): 5'-TTTTGTTCATTTTTAAGCAGCTGATTTAGAAGAAAGTTTTAATGAACATGAACTGGAGCC[C>A]TCATCACCTAAAAGTAAAAAGAAAAGTCGCAAAGGAAGGCCAAGAAAAACTAATTTTAAA-3'
Protein context (NP_001015877.1, residues 143-163): EESFNEHELE[Pro153=]SSPKSKKKSR

ClinVar aggregate classification (germline): Likely benign (0 of 4 stars; one submission).

Conditions:
PHF6-related disorder. Also called: PHF6-related condition.

gnomAD v4.1: 1 of 1,210,360 alleles (0.000083%); highest among the groups gnomAD compares: African/African-American, 0.0017%; no homozygotes.

Submission:

PreventionGenetics, part of Exact Sciences
Classification: Likely benign for PHF6-related condition. Last evaluated: 2022-03-10. Review status: no assertion criteria provided. Collection method: clinical testing. Allele origin: germline.
Comment: This variant is classified as likely benign based on ACMG/AMP sequence variant interpretation guidelines (Richards et al. 2015 PMID: 25741868, with internal and published modifications).